The following is an entry in ClinVar:

NM_153747.2(PIGC):c.286G>A (p.Gly96Arg)

Genes: C1orf105 (chromosome 1 open reading frame 105; plus strand), PIGC (phosphatidylinositol glycan anchor biosynthesis class C; minus strand). Cytogenetic location: 1q24.3.
Variant type: single nucleotide variant.
Coding change: c.286G>A on transcript NM_153747.2 (MANE Select); coding-DNA position 286, G replaced by A.
Protein change: p.Gly96Arg; replaces glycine 96 with arginine.
Molecular consequence: missense variant. On other transcripts: intron variant (1).
Genome position (GRCh38, 1-based): chr1:172,442,337, C>T on the plus strand (G>A on the coding strand, the complement: PIGC is on the minus strand). VCF-style: chr1-172442337-C-T. GRCh37 (hg19) VCF-style: chr1-172411477-C-T.
Other names: c.286G>A, p.Gly96Arg (NM_002642.4); c.22-2736C>T (NM_139240.4); c.286G>A (NM_002642.3); short protein forms G96R.
Identifiers: ClinVar variation 1704034 (VCV001704034.6), dbSNP rs781352019, ClinGen allele CA1245994.
Genomic context (GRCh38, chr1:172,442,337, plus strand): 5'-GGGTCTGCCCACTCTTCTTCCGCCCTTCACCTCCATCAATGAGATCAAACAAAACATACC[C>T]AATCAGTGAAGAAGCCAGACCAGTCCCTAAAAGCCAATGGGGGGCCAGAAGACCCTCATC-3'
Protein context (NP_714969.1, residues 86-106): LGTGLASSLI[Gly96Arg]YVLFDLIDGG

ClinVar aggregate classification (germline): Uncertain significance. Review status: criteria provided, multiple submitters, no conflicts (2 of 4 stars). 3 submissions from 3 submitters: Uncertain significance (2). 1 of the submissions does not count toward it. Last evaluated 2025-11-06.

Conditions:
Glycosylphosphatidylinositol biosynthesis defect 16. Also called: MENTAL RETARDATION, AUTOSOMAL RECESSIVE 62. Identifiers: MedGen C4540521, MONDO:0040500, OMIM 617816.

Allele frequency attached by ClinVar (database versions not stated): TOPMed 0.00001; ExAC 0.00002; gnomAD 0.00002; gnomAD exomes 0.00002.
gnomAD v4.1: 31 of 1,613,064 alleles (0.0019%); highest among the groups gnomAD compares: Non-Finnish European, 0.0026%; no homozygotes.

Submissions (3):

GeneDx
Classification: Uncertain significance. Last evaluated: 2025-11-06. Review status: criteria provided, single submitter. Criteria: GeneDx Variant Classification Process June 2021. Collection method: clinical testing. Allele origin: germline. Affected: yes.
Comment: In silico analysis supports that this missense variant has a deleterious effect on protein structure/function; This variant is associated with the following publications: (PMID: 40962973)

Ambry Genetics
Classification: Uncertain significance. Last evaluated: 2025-08-05. Review status: criteria provided, single submitter. Criteria: Ambry Variant Classification Scheme 2023. Collection method: clinical testing. Allele origin: germline.

OMIM
Classification: Pathogenic for GLYCOSYLPHOSPHATIDYLINOSITOL BIOSYNTHESIS DEFECT 16. Last evaluated: 2025-10-06. Review status: no assertion criteria provided. Collection method: literature only. Allele origin: germline. Not counted in ClinVar's aggregate classification.

Literature cited by the submitters: PubMed 40962973 (cited by OMIM).